The following is an entry in ClinVar:

NM_000492.4(CFTR):c.178G>T (p.Glu60Ter)

Genes: CFTR (CF transmembrane conductance regulator; plus strand), LOC113664106 (CFTR intron 2 DNase I hypersensitive site; plus strand). Cytogenetic location: 7q31.2.
Variant type: single nucleotide variant.
Coding change: c.178G>T on transcript NM_000492.4 (MANE Select); coding-DNA position 178, G replaced by T.
Protein change: p.Glu60Ter; replaces glutamic acid 60 with a stop codon.
Molecular consequence: nonsense.
Genome position (GRCh38, 1-based): chr7:117,509,047, G>T. VCF-style: chr7-117509047-G-T. GRCh37 (hg19) VCF-style: chr7-117149101-G-T.
Other names: p.Glu60*; short protein forms E60*.
Identifiers: ClinVar variation 38730 (VCV000038730.127), dbSNP rs77284892, ClinGen allele CA328091.

ClinVar aggregate classification (germline): Pathogenic. Review status: reviewed by expert panel (3 of 4 stars). 22 submissions from 20 submitters: Pathogenic (1). 21 of the submissions do not count toward it. Last evaluated 2017-03-17.

Conditions:
Cystic fibrosis diagnostic test.
CFTR-related disorder (CFTR-RD). Also called: CFTR-related condition; CFTR-related disorders. Identifiers: MedGen C5924204, MONDO:7770004.
Congenital bilateral aplasia of vas deferens from CFTR mutation (CBAVD). Identifiers: Orphanet 48, MedGen C0403814, MONDO:0010178, OMIM 277180. Disease mechanism: loss of function.
Cystic fibrosis (CF). Also called: MUCOVISCIDOSIS. Identifiers: Orphanet 586, MedGen C0010674, MONDO:0009061, OMIM 219700. Disease mechanism: loss of function.
Hereditary pancreatitis (PCTT). Also called: Hereditary chronic pancreatitis; PRSS1-Related Hereditary Pancreatitis. Identifiers: Orphanet 676, MedGen C0238339, MONDO:0008185, OMIM 167800.
Bronchiectasis with or without elevated sweat chloride 1 (BESC1). Also called: Cystic Fibrosis-Like Syndrome. Identifiers: Orphanet 60033, MedGen C2749757, MONDO:0008887, OMIM 211400.

Allele frequency attached by ClinVar (database versions not stated): TOPMed 0.00001; gnomAD 0.00002; gnomAD exomes 0.00002; ExAC 0.00003; ESP Exome Variant Server 0.00008.
gnomAD v4.1: 71 of 1,608,822 alleles (0.0044%); highest among the groups gnomAD compares: Non-Finnish European, 0.0056%; 1 homozygote.

Submissions 1 to 11 of 22:

CFTR2
Classification: Pathogenic for Cystic fibrosis. Last evaluated: 2017-03-17. Review status: reviewed by expert panel. Criteria: Sosnay PR et al. (Nat Genet 2013). Collection method: research. Allele origin: germline. Affected: yes. Study: CFTR2.

Natera, Inc.
Classification: Pathogenic for CFTR-related disorders. Last evaluated: 2026-01-05. Review status: criteria provided, single submitter. Criteria: Natera Variant Classification Schema (03/2026). Collection method: clinical testing. Allele origin: germline. Not counted in ClinVar's aggregate classification.
Comment: The c.178G>T variant in CFTR is a nonsense variant predicted to introduce a stop codon at amino acid 60. This variant is expected to result in nonsense mediated decay, truncation, or a dysfunctional protein product. This variant is rare in the general population with a frequency below the threshold expected for the associated phenotype(s). This variant has been observed in one or more individuals affected with the associated recessive disease, as either homozygous or compound heterozygous with a second variant (PMID: 21354377). Given the available evidence, this variant is classified as Pathogenic.

Ambry Genetics
Classification: Pathogenic for Cystic fibrosis. Last evaluated: 2025-12-05. Review status: criteria provided, single submitter. Criteria: Ambry Variant Classification Scheme 2023. Collection method: clinical testing. Allele origin: germline. Not counted in ClinVar's aggregate classification.
Comment: The p.E60* pathogenic mutation (also known as c.178G>T), located in coding exon 3 of the CFTR gene, results from a G to T substitution at nucleotide position 178. This changes the amino acid from a glutamic acid to a stop codon within coding exon 3. This variant is associated with elevated sweat chloride levels, decreased lung function, and pancreatic insufficiency (Sosnay PR et al. Nat. Genet., 2013 Oct;45:1160-7). In addition, one study showed that when expressed in minigene assay, this mutation resulted in exon 3 skipping approximately one third of the time (Aissat A et al. Hum. Mutat., 2013 Jun;34:873-81). This alteration is expected to result in loss of function by premature protein truncation or nonsense-mediated mRNA decay. As such, this alteration is interpreted as a disease-causing mutation.

NHS Central & South Genomic Laboratory Hub
Classification: Pathogenic for Cystic fibrosis diagnostic test. Last evaluated: 2025-10-21. Review status: criteria provided, single submitter. Criteria: ACMG Guidelines, 2015. Collection method: clinical testing. Allele origin: germline. Affected: yes. Not counted in ClinVar's aggregate classification.

Labcorp Genetics (formerly Invitae), Labcorp
Classification: Pathogenic for Cystic fibrosis. Last evaluated: 2025-06-16. Review status: criteria provided, single submitter. Criteria: Invitae Variant Classification Sherloc (09022015). Collection method: clinical testing. Allele origin: germline. Not counted in ClinVar's aggregate classification.
Comment: This sequence change creates a premature translational stop signal (p.Glu60*) in the CFTR gene. It is expected to result in an absent or disrupted protein product. Loss-of-function variants in CFTR are known to be pathogenic (PMID: 1695717, 7691345, 9725922). This variant is present in population databases (rs77284892, gnomAD 0.005%). This premature translational stop signal has been observed in individuals with cystic fibrosis (PMID: 1537190, 7541274, 8477260, 11788090, 15698945). ClinVar contains an entry for this variant (Variation ID: 38730). For these reasons, this variant has been classified as Pathogenic.

Women's Health and Genetics/Laboratory Corporation of America, LabCorp
Classification: Pathogenic for Cystic fibrosis. Last evaluated: 2025-03-04. Review status: criteria provided, single submitter. Criteria: LabCorp Variant Classification Summary - May 2015. Collection method: clinical testing. Allele origin: germline. Not counted in ClinVar's aggregate classification.
Comment: Variant summary: CFTR c.178G>T (p.Glu60X) results in a premature termination codon, predicted to cause a truncation of the encoded protein or absence of the protein due to nonsense mediated decay, which are commonly known mechanisms for disease. The variant allele was found at a frequency of 2.4e-05 in 250868 control chromosomes. This variant has been reported in numerous number of CF pts worldwide and is considered as a common disease variant. RT-PCR analysis showed this variant leads to exon skipping resulting <15% mut/wt transcription product (Will_1995). These data indicate that the variant is very likely to be associated with disease. ClinVar contains an entry for this variant (Variation ID: 38730). Based on the evidence outlined above, the variant was classified as pathogenic.

Mayo Clinic Laboratories, Mayo Clinic
Classification: Pathogenic. Last evaluated: 2024-12-16. Review status: criteria provided, single submitter. Criteria: ACMG Guidelines, 2015. Collection method: clinical testing. Allele origin: germline. Observed: 1 variant allele. Not counted in ClinVar's aggregate classification.

Dasa
Classification: Pathogenic. Last evaluated: 2024-11-21. Review status: criteria provided, single submitter. Criteria: DASA Assertion Criteria. Collection method: clinical testing. Allele origin: germline. Not counted in ClinVar's aggregate classification.
Comment: NM_000492.4(CFTR):c.178G>T (p.Glu60Ter) introduces a premature termination codon predicted to result in loss of normal protein function. Loss-of-function is an established mechanism of disease for this gene. This variant has been observed in affected individuals with related phenotype in a genotype context consistent with recessive disease (PMID: 15698945). This variant has been reported in individuals with related phenotype (PMID: 15698945). The variant is present at low frequency in population datasets. Based on the available data, this variant is classified as pathogenic.

Blueprint Genetics
Classification: Pathogenic for CFTR-related disorders. Last evaluated: 2024-10-25. Review status: criteria provided, single submitter. Criteria: ACMG Guidelines, 2015. Collection method: clinical testing. Allele origin: germline. Affected: yes. Observed: 1 variant allele. Not counted in ClinVar's aggregate classification.

Baylor Genetics
Classification: Pathogenic for Bronchiectasis with or without elevated sweat chloride 1. Last evaluated: 2024-03-27. Review status: criteria provided, single submitter. Criteria: ACMG Guidelines, 2015. Collection method: clinical testing. Allele origin: unknown. Not counted in ClinVar's aggregate classification.

ARUP Laboratories, Molecular Genetics and Genomics, ARUP Laboratories
Classification: Pathogenic. Last evaluated: 2022-08-22. Review status: criteria provided, single submitter. Criteria: ARUP Molecular Germline Variant Investigation Process 2021. Collection method: clinical testing. Allele origin: germline. Not counted in ClinVar's aggregate classification.
Comment: The CFTR c.178G>T; p.Glu60Ter variant (rs77284892), is reported in the literature in numerous individuals affected with cystic fibrosis (Dugueperoux 2004, Ooi 2012, Tsui 1992, Sosnay 2013, Will 1995). Cystic fibrosis patients carrying this variant have elevated sweat chloride levels and decreased lung function, and more than 95% exhibit pancreatic insufficiency (Dugueperoux 2004, Ooi 2012, Sosnay 2013). This variant is reported in ClinVar (Variation ID: 38730). This variant is found in the non-Finnish European population with an overall allele frequency of 0.0054% (6/111300 alleles) in the Genome Aggregation Database. This variant induces an early termination codon and is predicted to result in a truncated protein or mRNA subject to nonsense-mediated decay. Consistent with this, analysis of mRNAs from patients carrying the c.178G>T; p.Glu60Ter variant suggest that transcripts with this variant are present at levels <15% of wildtype (Will 1995). This variant can also cause skipping of exon 3 or both exons 3 and 4, events that cause frameshifts in the CFTR transcript (Aissat 2013, Valentine 1998, Will 1995). Based on available information, this variant is considered to be pathogenic. References: Aissat A et al. Combined computational-experimental analyses of CFTR exon strength uncover predictability of exon-skipping level. Hum Mutat. 2013 Jun;34(6):873-81 Dugueperoux I et al. Genotype-phenotype relationship for five CFTR mutations frequently identified in western France. J Cyst Fibros. 2004 Dec;3(4):259-63. Ooi C and Durie PR. Cystic fibrosis transmembrane conductance regulator (CFTR) gene mutations in pancreatitis. J Cyst Fibros. 2012 Sep;11(5):355-62. Tsui L. Mutations and sequence variations detected in the cystic fibrosis transmembrane conductance regulator (CFTR) gene: a report from the Cystic Fibrosis Genetic Analysis Consortium. Hum Mutat. 1992;1(3):197-203. Sosnay et al. Defining the disease liability of variants in the cystic fibrosis transmembrane conductance regulator gene. Nat Genet. 2013 Oct;45(10):1160-7. Valentine CR. The association of nonsense codons with exon skipping. Mutat Res. 1998 Sep;411(2):87-117. Will K et al. Transcript analysis of CFTR nonsense mutations in lymphocytes and nasal epithelial cells from cystic fibrosis patients. Hum Mutat. 1995;5(3):210-20.